The following is an entry in ClinVar:

ClinVar aggregate classification (germline): Uncertain significance (1 of 4 stars; one submission).

Conditions:
Cardiovascular phenotype. Identifiers: MedGen CN230736.

Allele frequency attached by ClinVar (database versions not stated): gnomAD exomes below 0.00001.

Submission:

Ambry Genetics
Classification: Uncertain significance for Cardiovascular phenotype. Last evaluated: 2023-03-19. Review status: criteria provided, single submitter. Criteria: Ambry Variant Classification Scheme 2023. Collection method: clinical testing. Allele origin: germline.
Comment: The p.S192R variant (also known as c.576C>A), located in coding exon 4 of the SCN2B gene, results from a C to A substitution at nucleotide position 576. The serine at codon 192 is replaced by arginine, an amino acid with dissimilar properties. This amino acid position is conserved. In addition, the in silico prediction for this alteration is inconclusive. Since supporting evidence is limited at this time, the clinical significance of this alteration remains unclear.

NM_004588.5(SCN2B):c.576C>A (p.Ser192Arg)

Gene: SCN2B (sodium voltage-gated channel beta subunit 2; minus strand). Cytogenetic location: 11q23.3.
Variant type: single nucleotide variant.
Coding change: c.576C>A on transcript NM_004588.5 (MANE Select); coding-DNA position 576, C replaced by A.
Protein change: p.Ser192Arg; replaces serine 192 with arginine.
Molecular consequence: missense variant.
Genome position (GRCh38, 1-based): chr11:118,166,959, G>T on the plus strand (C>A on the coding strand, the complement: SCN2B is on the minus strand). VCF-style: chr11-118166959-G-T. GRCh37 (hg19) VCF-style: chr11-118037674-G-T.
Other names: short protein forms S192R.
Identifiers: ClinVar variation 2562613 (VCV002562613.2), dbSNP rs1243940123, ClinGen allele CA382783513.